The following is an entry in ClinVar:

NM_004656.4(BAP1):c.1256A>T (p.Lys419Met)

Gene: BAP1 (BRCA1 associated deubiquitinase 1; minus strand). Cytogenetic location: 3p21.1.
Variant type: single nucleotide variant.
Coding change: c.1256A>T on transcript NM_004656.4 (MANE Select); coding-DNA position 1256, A replaced by T.
Protein change: p.Lys419Met; replaces lysine 419 with methionine.
Molecular consequence: missense variant.
Genome position (GRCh38, 1-based): chr3:52,403,889, T>A on the plus strand (A>T on the coding strand, the complement: BAP1 is on the minus strand). VCF-style: chr3-52403889-T-A. GRCh37 (hg19) VCF-style: chr3-52437905-T-A.
Other names: c.1202A>T, p.Lys401Met (NM_001410772.1); short protein forms K401M, K419M.
Identifiers: ClinVar variation 3819114 (VCV003819114.1).
Genomic context (GRCh38, chr3:52,403,889, plus strand): 5'-ACTGACAGTTGCCCATCAGCAGAACCGCTCAATGCCCCTGGCTTCCCTGTTCCCTTCCCC[T>A]TATACCTGTGGGGCCCGAGAAGATGTGAAGCAAGGGAACGGGCCAGGTGACCATACCCAG-3'
Protein context (NP_004647.1, residues 409-429): VQNTNSALRY[Lys419Met]GKGTGKPGAL

ClinVar aggregate classification (germline): Uncertain significance (1 of 4 stars; one submission).

Conditions:
Hereditary cancer-predisposing syndrome. Also called: Hereditary neoplastic syndrome; Neoplastic Syndromes, Hereditary; Tumor predisposition; Hereditary Cancer Syndrome. Identifiers: Orphanet 140162, MedGen C0027672, MeSH D009386, MONDO:0015356.

Submission:

Ambry Genetics
Classification: Uncertain significance for Hereditary cancer-predisposing syndrome. Last evaluated: 2025-01-23. Review status: criteria provided, single submitter. Criteria: Ambry Variant Classification Scheme 2023. Collection method: clinical testing. Allele origin: germline.
Comment: The p.K419M variant (also known as c.1256A>T), located in coding exon 13 of the BAP1 gene, results from an A to T substitution at nucleotide position 1256. The lysine at codon 419 is replaced by methionine, an amino acid with similar properties. This amino acid position is conserved. In addition, this alteration is predicted to be tolerated by in silico analysis. Based on the available evidence, the clinical significance of this variant remains unclear.